The following is an entry in ClinVar:

ClinVar aggregate classification (germline): Likely pathogenic (1 of 4 stars; one submission).

Conditions:
Familial hypobetalipoproteinemia 1. Also called: APOB-Related Familial Hypobetalipoproteinemia; Hypobetalipoproteinemia, normotriglyceridemic; Acanthocytosis with hypobetalipoproteinemia. Identifiers: MedGen C4551990, MONDO:0014252, OMIM 615558.
Hypercholesterolemia, autosomal dominant, type B (FHCL2). Also called: Familial Hypercholesterolemia Type B; APOLIPOPROTEIN B-100, FAMILIAL DEFECTIVE; APOLIPOPROTEIN B-100, FAMILIAL LIGAND-DEFECTIVE; HYPERCHOLESTEROLEMIA, FAMILIAL, DUE TO LIGAND-DEFECTIVE APOLIPOPROTEIN B; Hyperlipoproteinemia Type IIb; Familial hypercholesterolemia 2. Identifiers: MedGen C1704417, MONDO:0007751, OMIM 144010.

Submission:

Labcorp Genetics (formerly Invitae), Labcorp
Classification: Likely pathogenic for Familial hypobetalipoproteinemia 1; Hypercholesterolemia, autosomal dominant, type B. Last evaluated: 2023-07-07. Review status: criteria provided, single submitter. Criteria: Invitae Variant Classification Sherloc (09022015). Collection method: clinical testing. Allele origin: germline.
Comment: In summary, the currently available evidence indicates that the variant is pathogenic, but additional data are needed to prove that conclusively. Therefore, this variant has been classified as Likely Pathogenic. Algorithms developed to predict the effect of sequence changes on RNA splicing suggest that this variant may disrupt the consensus splice site. This variant has not been reported in the literature in individuals affected with APOB-related conditions. This variant is not present in population databases (gnomAD no frequency). This sequence change affects a donor splice site in intron 11 of the APOB gene. It is expected to disrupt RNA splicing. Variants that disrupt the donor or acceptor splice site typically lead to a loss of protein function (PMID: 16199547), and loss-of-function variants in APOB are known to be pathogenic (PMID: 20032471).

Literature cited by the submitters: PubMed 16199547; PubMed 20032471.

NM_000384.3(APOB):c.1470+2T>C

Gene: APOB (apolipoprotein B; minus strand). Cytogenetic location: 2p24.1.
Variant type: single nucleotide variant.
Coding change: c.1470+2T>C on transcript NM_000384.3 (MANE Select); the canonical splice donor site of the intron after coding-DNA position 1470, T replaced by C.
Molecular consequence: splice donor variant.
Genome position (GRCh38, 1-based): chr2:21,029,896, A>G on the plus strand (T>C on the coding strand, the complement: APOB is on the minus strand). VCF-style: chr2-21029896-A-G. GRCh37 (hg19) VCF-style: chr2-21252768-A-G.
Identifiers: ClinVar variation 2931489 (VCV002931489.3), dbSNP rs2465426269, ClinGen allele CA346015199.